The following is an entry in ClinVar:

NM_201384.3(PLEC):c.1388G>A (p.Arg463Gln)

Gene: PLEC (plectin; minus strand). Cytogenetic location: 8q24.3.
Variant type: single nucleotide variant.
Coding change: c.1388G>A on transcript NM_201384.3 (MANE Select); coding-DNA position 1388, G replaced by A.
Protein change: p.Arg463Gln; replaces arginine 463 with glutamine.
Molecular consequence: missense variant.
Genome position (GRCh38, 1-based): chr8:143,933,227, C>T on the plus strand (G>A on the coding strand, the complement: PLEC is on the minus strand). VCF-style: chr8-143933227-C-T. GRCh37 (hg19) VCF-style: chr8-145007395-C-T.
Other names: c.1469G>A, p.Arg490Gln (NM_000445.5); c.1346G>A, p.Arg449Gln (NM_201378.4); c.1322G>A, p.Arg441Gln (NM_201379.3); c.1799G>A, p.Arg600Gln (NM_201380.4); c.1292G>A, p.Arg431Gln (NM_201381.3); c.1388G>A, p.Arg463Gln (NM_201382.4); c.1400G>A, p.Arg467Gln (NM_201383.3); short protein forms R431Q, R449Q, R463Q, R490Q, R441Q, R467Q, R600Q.
Identifiers: ClinVar variation 953847 (VCV000953847.7), dbSNP rs782739981, ClinGen allele CA4927996.

ClinVar aggregate classification (germline): Uncertain significance (1 of 4 stars; one submission).

Conditions:
Epidermolysis bullosa simplex 5C, with pyloric atresia (EBS5C). Also called: PLEC-Related Epidermolysis Bullosa with Pyloric Atresia; Epidermolysis bullosa simplex with pyloric atresia; PLEC1-Related Epidermolysis Bullosa with Pyloric Atresia. Identifiers: Orphanet 158684, MedGen C2677349, MONDO:0012807, OMIM 612138.
Epidermolysis bullosa simplex 5B, with muscular dystrophy (EBS5B). Also called: Epidermolysis bullosa simplex with muscular dystrophy; EPIDERMOLYSIS BULLOSA SIMPLEX AND LIMB-GIRDLE MUSCULAR DYSTROPHY. Identifiers: Orphanet 257, MedGen C2931072, MONDO:0009181, OMIM 226670.
Epidermolysis bullosa simplex, Ogna type (EBS5A). Also called: Pidermolysis bullosa simplex 5A, Ogna type; EPIDERMOLYSIS BULLOSA SIMPLEX 5A, OGNA TYPE. Identifiers: Orphanet 79401, MedGen C0432317, MONDO:0007555, OMIM 131950.
Autosomal recessive limb-girdle muscular dystrophy type 2Q (LGMDR17). Also called: MUSCULAR DYSTROPHY, LIMB-GIRDLE, AUTOSOMAL RECESSIVE 17. Identifiers: Orphanet 254361, MedGen C3150989, MONDO:0013390, OMIM 613723.
Epidermolysis bullosa simplex with nail dystrophy (EBS5D). Identifiers: MedGen C4225309, MONDO:0014661, OMIM 616487.

Allele frequency attached by ClinVar (database versions not stated): ExAC 0.00001; gnomAD exomes 0.00001; TOPMed 0.00002.
gnomAD v4.1: 16 of 1,612,962 alleles (0.00099%); highest among the groups gnomAD compares: South Asian, 0.0022%; no homozygotes.

Submission:

Labcorp Genetics (formerly Invitae), Labcorp
Classification: Uncertain significance for Autosomal recessive limb-girdle muscular dystrophy type 2Q; Epidermolysis bullosa simplex, Ogna type; Epidermolysis bullosa simplex with nail dystrophy; Epidermolysis bullosa simplex 5C, with pyloric atresia; Epidermolysis bullosa simplex 5B, with muscular dystrophy. Last evaluated: 2025-12-01. Review status: criteria provided, single submitter. Criteria: Invitae Variant Classification Sherloc (09022015). Collection method: clinical testing. Allele origin: germline.
Comment: This sequence change replaces arginine, which is basic and polar, with glutamine, which is neutral and polar, at codon 490 of the PLEC protein (p.Arg490Gln). This variant is present in population databases (rs782739981, gnomAD 0.003%). This variant has not been reported in the literature in individuals affected with PLEC-related conditions. ClinVar contains an entry for this variant (Variation ID: 953847). Experimental studies and prediction algorithms are not available or were not evaluated, and the functional significance of this variant is currently unknown. In summary, the available evidence is currently insufficient to determine the role of this variant in disease. Therefore, it has been classified as a Variant of Uncertain Significance.